The following is an entry in ClinVar:

ClinVar aggregate classification (germline): Uncertain significance (1 of 4 stars; one submission).

gnomAD v4.1: 1 of 1,605,888 alleles (0.000062%); highest among the groups gnomAD compares: South Asian, 0.0011%; no homozygotes.

Submission:

ARUP Laboratories, Molecular Genetics and Genomics, ARUP Laboratories
Classification: Uncertain significance. Last evaluated: 2019-09-09. Review status: criteria provided, single submitter. Criteria: ARUP Molecular Germline Variant Investigation Process. Collection method: clinical testing. Allele origin: germline.
Comment: The MAT1A c.550-18C>G variant (rs765732735), to our knowledge, has not been reported in the medical literature or gene specific databases. This variant is only observed on one allele in the Genome Aggregation Database, indicating it is not a common polymorphism. Located in the splice acceptor of intron 5, multiple algorithms designed to predict splicing changes suggest this variant may alter the natural splicing pattern of MAT1A. However, in the absence of functional data, these predictions are not sufficient to assign pathogenicity. Thus, based on the available information, the clinical significance of this variant is uncertain.

NM_000429.3(MAT1A):c.550-18C>G

Gene: MAT1A (methionine adenosyltransferase 1A; minus strand). Cytogenetic location: 10q22.3.
Variant type: single nucleotide variant.
Coding change: c.550-18C>G on transcript NM_000429.3 (MANE Select); 18 bases into the intron before coding-DNA position 550, C replaced by G.
Molecular consequence: intron variant.
Genome position (GRCh38, 1-based): chr10:80,276,612, G>C on the plus strand (C>G on the coding strand, the complement: MAT1A is on the minus strand). VCF-style: chr10-80276612-G-C. GRCh37 (hg19) VCF-style: chr10-82036368-G-C.
Identifiers: ClinVar variation 994406 (VCV000994406.8), dbSNP rs765732735, ClinGen allele CA594711879.